The following is an entry in ClinVar:

ClinVar aggregate classification (germline): Likely pathogenic. Review status: criteria provided, multiple submitters, no conflicts (2 of 4 stars). 2 submissions from 2 submitters: Likely pathogenic (2). Last evaluated 2018-08-17.

Conditions:
Inborn genetic diseases. Identifiers: MedGen C0950123, MeSH D030342.
Hidrotic ectodermal dysplasia syndrome (GJB6). Also called: Hidrotic ectodermal dysplasia; Ectodermal dysplasia 2, hidrotic; Autosomal dominant hidrotic ectodermal dysplasia; Clouston syndrome; Clouston's hidrotic ectodermal dysplasia; CLOUSTON HIDROTIC ECTODERMAL DYSPLASIA. Identifiers: Orphanet 189, MedGen C0162361, MONDO:0007510, OMIM 129500.

Submissions (2):

Ambry Genetics
Classification: Likely pathogenic for Inborn genetic diseases. Last evaluated: 2018-08-17. Review status: criteria provided, single submitter. Criteria: Ambry exome assertion method (8-5-2015). Collection method: clinical testing. Allele origin: germline. Affected: yes. Observed: 1 variant allele.

Molecular Genetics Department, Kulakov National Medical Research Center for Obstetrics, Gynecology and Perinatology
Classification: Likely pathogenic for Hidrotic ectodermal dysplasia syndrome. Review status: criteria provided, single submitter. Criteria: ACMG Guidelines, 2015. Collection method: clinical testing. Allele origin: germline. Affected: yes.
Comment: A previously undescribed nucleotide variant creates a missense p.Asp50His in the GJB6 gene. Heterozygous variants are reported in patients with Ectodermal dysplasia 2, Clouston type, 129500. Different missense variant at the same position was previously reported as de novo in patient with Ectodermal dysplasia, Clouston type [Richard et al., 2002, PMID: 11912510; Baris et al., 2008, PMID: 18717672]. Pathogenicity prediction algorithms classify it as pathogenic (PolyPhen-2: 0.443: Sift: 0.03).The variant is not present in population database (gnomAD no frequency). In summary, the currently available evidence indicates that the variant is pathogenic, but additional data are needed to prove that conclusively. Therefore, this variant has been classified as likely pathogenic.

Literature cited by the submitters: PubMed 18717672 (cited by Ambry Genetics).

NM_001110219.3(GJB6):c.148G>C (p.Asp50His)

Gene: GJB6 (gap junction protein beta 6; minus strand). Cytogenetic location: 13q12.11.
Variant type: single nucleotide variant.
Coding change: c.148G>C on transcript NM_001110219.3 (MANE Select); coding-DNA position 148, G replaced by C.
Protein change: p.Asp50His; replaces aspartic acid 50 with histidine.
Molecular consequence: missense variant.
Genome position (GRCh38, 1-based): chr13:20,223,333, C>G on the plus strand (G>C on the coding strand, the complement: GJB6 is on the minus strand). VCF-style: chr13-20223333-C-G. GRCh37 (hg19) VCF-style: chr13-20797472-C-G.
Other names: c.148G>C, p.Asp50His (NM_001110220.3, NM_001110221.3, NM_001370090.1 and 3 more transcripts); short protein forms D50H.
Identifiers: ClinVar variation 986211 (VCV000986211.4), dbSNP rs1869351345, ClinGen allele CA387468745.